The following is an entry in ClinVar:

NM_000095.3(COMP):c.875G>T (p.Cys292Phe)

Gene: COMP (cartilage oligomeric matrix protein; minus strand). Cytogenetic location: 19p13.11.
Variant type: single nucleotide variant.
Coding change: c.875G>T on transcript NM_000095.3 (MANE Select); coding-DNA position 875, G replaced by T.
Protein change: p.Cys292Phe; replaces cysteine 292 with phenylalanine.
Molecular consequence: missense variant.
Genome position (GRCh38, 1-based): chr19:18,788,312, C>A on the plus strand (G>T on the coding strand, the complement: COMP is on the minus strand). VCF-style: chr19-18788312-C-A. GRCh37 (hg19) VCF-style: chr19-18899121-C-A.
Other names: short protein forms C292F.
Identifiers: ClinVar variation 280393 (VCV000280393.2), dbSNP rs886041607, ClinGen allele CA10603635.
Genomic context (GRCh38, chr19:18,788,312, plus strand): 5'-CAGGCGTCTCCGATGCCATCGCGGTCCACATCCTCCTGCCCTGAGTTGGGCACAGTCACG[C>A]AGTTGTCCTGGGGGCGGGCACAGAAGGTGTGAGGGGCGCGGTCATGAAGTCCCGCCCTCC-3'
Protein context (NP_000086.2, residues 282-302): CPERQCRKDN[Cys292Phe]VTVPNSGQED

ClinVar aggregate classification (germline): Pathogenic (1 of 4 stars; one submission).

Submission:

GeneDx
Classification: Pathogenic. Last evaluated: 2016-03-02. Review status: criteria provided, single submitter. Criteria: GeneDx Variant Classification (06012015). Collection method: clinical testing. Allele origin: germline. Affected: yes.
Comment: The C292F pathogenic variant in the COMP gene has not been reported previously as a pathogenic variant, nor as a benign variant, to our knowledge. However, different substitutions at the same codon, C292G and C292W, has been reported; the C292G variant in association with multiple epiphyseal dysplasia, and the C292W variant in association with pseudoachondroplasia (Kim et al., 2011; Deere et al., 1999). The C292F variant was not observed in approximately 6,500 individuals of European and African American ancestry in the NHLBI Exome Sequencing Project, indicating it is not a common benign variant in these populations. The C292F variant is a non-conservative amino acid substitution, which is likely to impact secondary protein structure as these residues differ in polarity, charge, size and/or other properties. This substitution occurs at a position that is conserved across species. In silico analysis predicts this variant is probably damaging to the protein structure/function. We interpret C292F as a pathogenic variant.